The following is an entry in ClinVar:

NM_000218.3(KCNQ1):c.1394-31098G>T

Genes: KCNQ1 (potassium voltage-gated channel subfamily Q member 1; plus strand), KCNQ1OT1 (KCNQ1 opposite strand/antisense transcript 1; minus strand). Cytogenetic location: 11p15.5.
Variant type: single nucleotide variant.
Coding change: c.1394-31098G>T on transcript NM_000218.3 (MANE Select); 31098 bases into the intron before coding-DNA position 1394, G replaced by T.
Molecular consequence: intron variant. On other transcripts: non-coding transcript variant (1).
Genome position (GRCh38, 1-based): chr11:2,630,863, G>T. VCF-style: chr11-2630863-G-T. GRCh37 (hg19) VCF-style: chr11-2652093-G-T.
Other names: c.1124-31098G>T (NM_001406837.1); c.1298-31098G>T (NM_001406836.1); c.854-31098G>T (NM_001406838.1); c.1013-31098G>T (NM_181798.2).
Identifiers: ClinVar variation 4874104 (VCV004874104.2).

ClinVar aggregate classification (germline): Likely benign (1 of 4 stars; one submission).

gnomAD v4.1: 51 of 398,474 alleles (0.013%); highest among the groups gnomAD compares: African/African-American, 0.086%; no homozygotes.

Submission:

CeGaT Center for Human Genetics Tuebingen
Classification: Likely benign. Last evaluated: 2026-05-01. Review status: criteria provided, single submitter. Criteria: CeGaT Center For Human Genetics Tuebingen Variant Classification Criteria Version 2. Collection method: clinical testing. Allele origin: germline. Affected: yes. Observed: 1 variant allele.
Comment: KCNQ1OT1: BS1